The following is an entry in ClinVar:

NM_002971.6(SATB1):c.1729C>T (p.His577Tyr)

Gene: SATB1 (SATB homeobox 1; minus strand). Cytogenetic location: 3p24.3.
Variant type: single nucleotide variant.
Coding change: c.1729C>T on transcript NM_002971.6 (MANE Select); coding-DNA position 1729, C replaced by T.
Protein change: p.His577Tyr; replaces histidine 577 with tyrosine.
Molecular consequence: missense variant.
Genome position (GRCh38, 1-based): chr3:18,352,042, G>A on the plus strand (C>T on the coding strand, the complement: SATB1 is on the minus strand). VCF-style: chr3-18352042-G-A. GRCh37 (hg19) VCF-style: chr3-18393534-G-A.
Other names: c.1729C>T, p.His577Tyr (NM_001322875.2, NM_001131010.4, NM_001195470.3 and 4 more transcripts); c.1513C>T, p.His505Tyr (NM_001322876.2); short protein forms H505Y, H577Y.
Identifiers: ClinVar variation 4681019 (VCV004681019.1).

ClinVar aggregate classification (germline): Uncertain significance (1 of 4 stars; one submission).

Submission:

GeneDx
Classification: Uncertain significance. Last evaluated: 2025-06-30. Review status: criteria provided, single submitter. Criteria: GeneDx Variant Classification Process June 2021. Collection method: clinical testing. Allele origin: germline. Affected: yes.
Comment: Not observed at significant frequency in large population cohorts (gnomAD); In silico analysis supports that this missense variant has a deleterious effect on protein structure/function; Has not been previously published as pathogenic or benign to our knowledge